The following is an entry in ClinVar:

NM_020207.7(ERCC6L2):c.388G>A (p.Gly130Arg)

Gene: ERCC6L2 (ERCC excision repair 6 like 2; plus strand). Cytogenetic location: 9q22.32.
Variant type: single nucleotide variant.
Coding change: c.388G>A on transcript NM_020207.7 (MANE Select); coding-DNA position 388, G replaced by A.
Protein change: p.Gly130Arg; replaces glycine 130 with arginine.
Molecular consequence: missense variant. On other transcripts: non-coding transcript variant (1).
Genome position (GRCh38, 1-based): chr9:95,881,210, G>A. VCF-style: chr9-95881210-G-A. GRCh37 (hg19) VCF-style: chr9-98643492-G-A.
Other names: c.388G>A, p.Gly130Arg (NM_001010895.4, NM_001375291.1, NM_001375292.1 and 2 more transcripts); short protein forms G130R.
Identifiers: ClinVar variation 4618788 (VCV004618788.1).

ClinVar aggregate classification (germline): Uncertain significance (1 of 4 stars; one submission).

Conditions:
Inborn genetic diseases. Identifiers: MedGen C0950123, MeSH D030342.

Submission:

Ambry Genetics
Classification: Uncertain significance for Inborn genetic diseases. Last evaluated: 2025-12-10. Review status: criteria provided, single submitter. Criteria: Ambry Variant Classification Scheme 2023. Collection method: clinical testing. Allele origin: germline.
Comment: The p.G130R variant (also known as c.388G>A), located in coding exon 2 of the ERCC6L2 gene, results from a G to A substitution at nucleotide position 388. The glycine at codon 130 is replaced by arginine, an amino acid with dissimilar properties. This amino acid position is conserved. In addition, this alteration is predicted to be deleterious by in silico analysis. Based on the available evidence, the clinical significance of this variant remains unclear.